The following is an entry in ClinVar:

NM_001010892.3(RSPH4A):c.2071G>A (p.Ala691Thr)

Gene: RSPH4A (radial spoke head component 4A; plus strand). Cytogenetic location: 6q22.1.
Variant type: single nucleotide variant.
Coding change: c.2071G>A on transcript NM_001010892.3 (MANE Select); coding-DNA position 2071, G replaced by A.
Protein change: p.Ala691Thr; replaces alanine 691 with threonine.
Molecular consequence: missense variant. On other transcripts: 3 prime UTR variant (1).
Genome position (GRCh38, 1-based): chr6:116,632,361, G>A. VCF-style: chr6-116632361-G-A. GRCh37 (hg19) VCF-style: chr6-116953524-G-A.
Other names: c.*132G>A (NM_001161664.2); short protein forms A691T.
Identifiers: ClinVar variation 1485975 (VCV001485975.6), dbSNP rs2115368553, ClinGen allele CA365413360.

ClinVar aggregate classification (germline): Uncertain significance (1 of 4 stars; one submission).

Conditions:
Primary ciliary dyskinesia. Also called: Ciliary dyskinesia. Identifiers: Orphanet 244, MedGen C0008780, MONDO:0016575, HP:0012265.

gnomAD v4.1: 2 of 1,614,002 alleles (0.00012%); highest among the groups gnomAD compares: Non-Finnish European, 0.00017%; no homozygotes.

Submission:

Labcorp Genetics (formerly Invitae), Labcorp
Classification: Uncertain significance for Primary ciliary dyskinesia. Last evaluated: 2021-09-17. Review status: criteria provided, single submitter. Criteria: Invitae Variant Classification Sherloc (09022015). Collection method: clinical testing. Allele origin: germline.
Comment: This variant has not been reported in the literature in individuals affected with RSPH4A-related conditions. This variant is not present in population databases (ExAC no frequency). This sequence change replaces alanine with threonine at codon 691 of the RSPH4A protein (p.Ala691Thr). The alanine residue is moderately conserved and there is a small physicochemical difference between alanine and threonine. Algorithms developed to predict the effect of missense changes on protein structure and function output the following: SIFT: "Tolerated"; PolyPhen-2: "Not Available"; Align-GVGD: "Class C0". The threonine amino acid residue is found in multiple mammalian species, which suggests that this missense change does not adversely affect protein function. In summary, the available evidence is currently insufficient to determine the role of this variant in disease. Therefore, it has been classified as a Variant of Uncertain Significance.